The following is an entry in ClinVar:

NM_001211.6(BUB1B):c.838G>T (p.Asp280Tyr)

Gene: BUB1B (BUB1 mitotic checkpoint serine/threonine kinase B; plus strand). Cytogenetic location: 15q15.1.
Variant type: single nucleotide variant.
Coding change: c.838G>T on transcript NM_001211.6 (MANE Select); coding-DNA position 838, G replaced by T.
Protein change: p.Asp280Tyr; replaces aspartic acid 280 with tyrosine.
Molecular consequence: missense variant.
Genome position (GRCh38, 1-based): chr15:40,185,251, G>T. VCF-style: chr15-40185251-G-T. GRCh37 (hg19) VCF-style: chr15-40477452-G-T.
Other names: short protein forms D280Y.
Identifiers: ClinVar variation 3660770 (VCV003660770.2).

ClinVar aggregate classification (germline): Uncertain significance (1 of 4 stars; one submission).

Conditions:
Mosaic variegated aneuploidy syndrome 1 (MVA1). Also called: Warburton-Anyane-Yeboa syndrome. Identifiers: Orphanet 1052, MedGen C1850343, MONDO:0009759, OMIM 257300.

Submission:

Labcorp Genetics (formerly Invitae), Labcorp
Classification: Uncertain significance for Mosaic variegated aneuploidy syndrome 1. Last evaluated: 2025-11-17. Review status: criteria provided, single submitter. Criteria: Invitae Variant Classification Sherloc (09022015). Collection method: clinical testing. Allele origin: germline.
Comment: This sequence change replaces aspartic acid, which is acidic and polar, with tyrosine, which is neutral and polar, at codon 280 of the BUB1B protein (p.Asp280Tyr). This variant is not present in population databases (gnomAD no frequency). This variant has not been reported in the literature in individuals affected with BUB1B-related conditions. ClinVar contains an entry for this variant (Variation ID: 3660770). An algorithm developed to predict the effect of missense changes on protein structure and function (PolyPhen-2) suggests that this variant is likely to be disruptive. In summary, the available evidence is currently insufficient to determine the role of this variant in disease. Therefore, it has been classified as a Variant of Uncertain Significance.